The following is an entry in ClinVar:

NM_182548.4(LHFPL5):c.397A>G (p.Met133Val)

Gene: LHFPL5 (LHFPL tetraspan subfamily member 5; plus strand). Cytogenetic location: 6p21.31.
Variant type: single nucleotide variant.
Coding change: c.397A>G on transcript NM_182548.4 (MANE Select); coding-DNA position 397, A replaced by G.
Protein change: p.Met133Val; replaces methionine 133 with valine.
Molecular consequence: missense variant.
Genome position (GRCh38, 1-based): chr6:35,806,067, A>G. VCF-style: chr6-35806067-A-G. GRCh37 (hg19) VCF-style: chr6-35773844-A-G.
Other names: short protein forms M133V.
Identifiers: ClinVar variation 2577743 (VCV002577743.2), dbSNP rs1561950937, ClinGen allele CA363785216.

ClinVar aggregate classification (germline): Uncertain significance (1 of 4 stars; one submission).

Allele frequency attached by ClinVar (database versions not stated): TOPMed below 0.00001; gnomAD 0.00001.

Submission:

GeneDx
Classification: Uncertain significance. Last evaluated: 2023-11-14. Review status: criteria provided, single submitter. Criteria: GeneDx Variant Classification Process June 2021. Collection method: clinical testing. Allele origin: germline.
Comment: Not observed at significant frequency in large population cohorts (gnomAD); In silico analysis supports that this missense variant does not alter protein structure/function; Has not been previously published as pathogenic or benign to our knowledge